The following is an entry in ClinVar:

NM_001267727.2(ARSG):c.1562G>A (p.Arg521His)

Genes: ARSG (arylsulfatase G; plus strand), PRKAR1A (protein kinase cAMP-dependent type I regulatory subunit alpha; plus strand). Cytogenetic location: 17q24.2.
Variant type: single nucleotide variant.
Coding change: c.1562G>A on transcript NM_001267727.2 (MANE Select); coding-DNA position 1562, G replaced by A.
Protein change: p.Arg521His; replaces arginine 521 with histidine.
Molecular consequence: missense variant. On other transcripts: intron variant (3).
Genome position (GRCh38, 1-based): chr17:68,420,447, G>A. VCF-style: chr17-68420447-G-A. GRCh37 (hg19) VCF-style: chr17-66416588-G-A.
Other names: c.1562G>A, p.Arg521His (NM_001352899.2, NM_001352900.2, NM_001352901.2 and 2 more transcripts); c.1559G>A, p.Arg520His (NM_001352903.2, NM_001352904.2, NM_001352905.2 and 2 more transcripts); c.1303+18997G>A (NM_001352910.2); c.1255+18997G>A (NM_001352909.2); c.-7+6652G>A (NM_001278433.2); short protein forms R520H, R521H.
Identifiers: ClinVar variation 1008791 (VCV001008791.6), dbSNP rs150683466, ClinGen allele CA8728608.

ClinVar aggregate classification (germline): Uncertain significance. Review status: criteria provided, multiple submitters, no conflicts (2 of 4 stars). 2 submissions from 2 submitters: Uncertain significance (2). Last evaluated 2024-09-20.

Allele frequency attached by ClinVar (database versions not stated): TOPMed 0.00004; ExAC 0.00005; gnomAD exomes 0.00006; gnomAD 0.00004; 1000 Genomes Project 30x 0.00031; ESP Exome Variant Server 0.00015.
gnomAD v4.1: 79 of 1,613,958 alleles (0.0049%); highest among the groups gnomAD compares: Middle Eastern, 0.016%; no homozygotes.

Submissions (2):

Blueprint Genetics
Classification: Uncertain significance. Last evaluated: 2024-09-20. Review status: criteria provided, single submitter. Criteria: ACMG Guidelines, 2015. Collection method: clinical testing. Allele origin: germline.

Labcorp Genetics (formerly Invitae), Labcorp
Classification: Uncertain significance. Last evaluated: 2022-10-17. Review status: criteria provided, single submitter. Criteria: Invitae Variant Classification Sherloc (09022015). Collection method: clinical testing. Allele origin: germline.
Comment: This sequence change replaces arginine, which is basic and polar, with histidine, which is basic and polar, at codon 521 of the ARSG protein (p.Arg521His). This variant is present in population databases (rs150683466, gnomAD 0.03%). This variant has not been reported in the literature in individuals affected with ARSG-related conditions. ClinVar contains an entry for this variant (Variation ID: 1008791). Algorithms developed to predict the effect of missense changes on protein structure and function are either unavailable or do not agree on the potential impact of this missense change (SIFT: "Deleterious"; PolyPhen-2: "Probably Damaging"; Align-GVGD: "Class C0"). In summary, the available evidence is currently insufficient to determine the role of this variant in disease. Therefore, it has been classified as a Variant of Uncertain Significance.